The following is an entry in ClinVar:

NM_001069.3(TUBB2A):c.1324G>T (p.Glu442Ter)

Gene: TUBB2A (tubulin beta 2A class IIa; minus strand). Cytogenetic location: 6p25.2.
Variant type: single nucleotide variant.
Coding change: c.1324G>T on transcript NM_001069.3 (MANE Select); coding-DNA position 1324, G replaced by T.
Protein change: p.Glu442Ter; replaces glutamic acid 442 with a stop codon.
Molecular consequence: nonsense.
Genome position (GRCh38, 1-based): chr6:3,153,877, C>A on the plus strand (G>T on the coding strand, the complement: TUBB2A is on the minus strand). VCF-style: chr6-3153877-C-A. GRCh37 (hg19) VCF-style: chr6-3154111-C-A.
Other names: c.1069G>T, p.Glu357Ter (NM_001310315.2); short protein forms E357*, E442*.
Identifiers: ClinVar variation 2813520 (VCV002813520.3), dbSNP rs1242900074, ClinGen allele CA362590698.

ClinVar aggregate classification (germline): Uncertain significance (1 of 4 stars; one submission).

Allele frequency attached by ClinVar (database versions not stated): TOPMed 0.00001.

Submission:

Labcorp Genetics (formerly Invitae), Labcorp
Classification: Uncertain significance. Last evaluated: 2023-02-26. Review status: criteria provided, single submitter. Criteria: Invitae Variant Classification Sherloc (09022015). Collection method: clinical testing. Allele origin: germline.
Comment: In summary, the available evidence is currently insufficient to determine the role of this variant in disease. Therefore, it has been classified as a Variant of Uncertain Significance. This variant has not been reported in the literature in individuals affected with TUBB2A-related conditions. This variant is not present in population databases (gnomAD no frequency). This sequence change creates a premature translational stop signal (p.Glu442*) in the TUBB2A gene. While this is not anticipated to result in nonsense mediated decay, it is expected to disrupt the last 4 amino acid(s) of the TUBB2A protein.